The following is an entry in ClinVar:

ClinVar aggregate classification (germline): Conflicting classifications of pathogenicity. Review status: criteria provided, conflicting classifications (1 of 4 stars). 12 submissions from 8 submitters: Uncertain significance (8); Benign (1); Likely benign (3). Last evaluated 2026-08-06.

Conditions:
Autosomal recessive limb-girdle muscular dystrophy type 2J (LGMDR10). Also called: Limb-girdle muscular dystrophy, type 2J; MUSCULAR DYSTROPHY, LIMB-GIRDLE, AUTOSOMAL RECESSIVE 10. Identifiers: Orphanet 140922, MedGen C1837342, MONDO:0012127, OMIM 608807.
Dilated cardiomyopathy 1G (CMD1G). Identifiers: Orphanet 154, MedGen C1858763, MONDO:0011400, OMIM 604145.
Cardiovascular phenotype. Identifiers: MedGen CN230736.
Early-onset myopathy with fatal cardiomyopathy (CMYO5). Also called: Salih Myopathy; CONGENITAL MYOPATHY 5 WITH CARDIOMYOPATHY. Identifiers: Orphanet 289377, MedGen C2673677, MONDO:0012714, OMIM 611705. Disease mechanism: loss of function.
Myopathy, myofibrillar, 9, with early respiratory failure (MFM9). Also called: EDSTROM MYOPATHY; MYOPATHY, PROXIMAL, WITH EARLY RESPIRATORY MUSCLE INVOLVEMENT; Myopathy, distal, with early respiratory failure, autosomal dominant; Hereditary myopathy with early respiratory failure. Identifiers: Orphanet 178464, Orphanet 34521, MedGen C1863599, MONDO:0011362, OMIM 603689.
Tibial muscular dystrophy (TMD). Also called: Tibial muscular dystrophy, tardive; UDD MYOPATHY; Udd Distal Myopathy – Tibial Muscular Dystrophy. Identifiers: Orphanet 609, MedGen C1838244, MONDO:0010870, OMIM 600334.

Allele frequency attached by ClinVar (database versions not stated): TOPMed 0.00007; ESP Exome Variant Server 0.00008; gnomAD 0.00008; gnomAD exomes 0.00009; ExAC 0.00010; 1000 Genomes Project 30x 0.00047.
gnomAD v4.1: 139 of 1,610,512 alleles (0.0086%); highest among the groups gnomAD compares: Admixed American, 0.01%; no homozygotes.

Submissions (12):

OLLIN Analises Genomicas, OLLIN
Classification: Uncertain significance for Tibial muscular dystrophy. Last evaluated: 2026-08-06. Review status: criteria provided, single submitter. Criteria: ACMG Guidelines 2015 PMID 25741868. Collection method: clinical testing. Allele origin: germline. Inheritance: Autosomal dominant inheritance.
Comment: This synonymous variant, located in exon 259 (of 363), has been reported in ClinVar (accession VCV000195551.50) and in gnomAD with an allele frequency of 0.0086%. However, to our knowledge, it has not been reported in the scientific literature. Although this variant does not alter the encoded amino acid, there is evidence that it affects splicing, potentially resulting in aberrant transcript processing, exon skipping, mRNA degradation via nonsense-mediated decay (NMD), or production of a truncated protein. According to the currently available evidence, this variant has been classified as uncertain significance (PP3).

Labcorp Genetics (formerly Invitae), Labcorp
Classification: Likely benign for Dilated cardiomyopathy 1G; Autosomal recessive limb-girdle muscular dystrophy type 2J. Last evaluated: 2025-12-21. Review status: criteria provided, single submitter. Criteria: Invitae Variant Classification Sherloc (09022015). Collection method: clinical testing. Allele origin: germline.

GeneDx
Classification: Uncertain significance. Last evaluated: 2024-07-18. Review status: criteria provided, single submitter. Criteria: GeneDx Variant Classification Process June 2021. Collection method: clinical testing. Allele origin: germline. Affected: yes.
Comment: In silico analysis supports a deleterious effect on splicing; In the absence of RNA/functional studies, the actual effect of this sequence change is unknown; Has not been previously published as pathogenic or benign to our knowledge; This variant is associated with the following publications: (PMID: 22335739)

Revvity Omics, Revvity
Classification: Uncertain significance. Last evaluated: 2024-07-11. Review status: criteria provided, single submitter. Criteria: ACMG Guidelines, 2015. Collection method: clinical testing. Allele origin: germline.

CeGaT Center for Human Genetics Tuebingen
Classification: Uncertain significance. Last evaluated: 2023-11-01. Review status: criteria provided, single submitter. Criteria: CeGaT Center For Human Genetics Tuebingen Variant Classification Criteria Version 2. Collection method: clinical testing. Allele origin: germline. Affected: yes. Observed: 1 variant allele.
Comment: TTN: PM2, PP3

Illumina Laboratory Services, Illumina
Classification: Uncertain significance for Early-onset myopathy with fatal cardiomyopathy. Last evaluated: 2018-01-13. Review status: criteria provided, single submitter. Criteria: ICSL Variant Classification Criteria 13 December 2019. Collection method: clinical testing. Allele origin: germline.

Illumina Laboratory Services, Illumina
Classification: Uncertain significance for Autosomal recessive limb-girdle muscular dystrophy type 2J. Last evaluated: 2018-01-13. Review status: criteria provided, single submitter. Criteria: ICSL Variant Classification Criteria 13 December 2019. Collection method: clinical testing. Allele origin: germline.

Illumina Laboratory Services, Illumina
Classification: Benign for Tibial muscular dystrophy. Last evaluated: 2018-01-13. Review status: criteria provided, single submitter. Criteria: ICSL Variant Classification Criteria 13 December 2019. Collection method: clinical testing. Allele origin: germline.
Comment: This variant was observed in the ICSL laboratory as part of a predisposition screen in an ostensibly healthy population. It had not been previously curated by ICSL or reported in the Human Gene Mutation Database (HGMD: prior to June 1st, 2018), and was therefore a candidate for classification through an automated scoring system. Utilizing variant allele frequency, disease prevalence and penetrance estimates, and inheritance mode, an automated score was calculated to assess if this variant is too frequent to cause the disease. Based on the score and internal cut-off values, a variant classified as benign is not then subjected to further curation. The score for this variant resulted in a classification of benign for this disease.

Illumina Laboratory Services, Illumina
Classification: Uncertain significance for Dilated cardiomyopathy 1G. Last evaluated: 2018-01-13. Review status: criteria provided, single submitter. Criteria: ICSL Variant Classification Criteria 13 December 2019. Collection method: clinical testing. Allele origin: germline.

Illumina Laboratory Services, Illumina
Classification: Likely benign for Myopathy, myofibrillar, 9, with early respiratory failure. Last evaluated: 2018-01-13. Review status: criteria provided, single submitter. Criteria: ICSL Variant Classification Criteria 13 December 2019. Collection method: clinical testing. Allele origin: germline.
Comment: This variant was observed in the ICSL laboratory as part of a predisposition screen in an ostensibly healthy population. It had not been previously curated by ICSL or reported in the Human Gene Mutation Database (HGMD: prior to June 1st, 2018), and was therefore a candidate for classification through an automated scoring system. Utilizing variant allele frequency, disease prevalence and penetrance estimates, and inheritance mode, an automated score was calculated to assess if this variant is too frequent to cause the disease. Based on the score and internal cut-off values, a variant classified as likely benign is not then subjected to further curation. The score for this variant resulted in a classification of likely benign for this disease.

Ambry Genetics
Classification: Likely benign for Cardiovascular phenotype. Last evaluated: 2016-02-12. Review status: criteria provided, single submitter. Criteria: Ambry Variant Classification Scheme 2023. Collection method: clinical testing. Allele origin: germline.

Eurofins Ntd Llc (ga)
Classification: Uncertain significance. Last evaluated: 2015-04-03. Review status: criteria provided, single submitter. Criteria: EGL Classification Definitions 2015. Collection method: clinical testing. Allele origin: germline. Observed: 2 variant alleles, 1 heterozygote.

NM_001267550.2(TTN):c.48462G>A (p.Thr16154=)

Genes: TTN (titin; minus strand), TTN-AS1 (TTN antisense RNA 1; plus strand). Cytogenetic location: 2q31.2.
Variant type: single nucleotide variant.
Coding change: c.48462G>A on transcript NM_001267550.2 (MANE Select); coding-DNA position 48462, G replaced by A.
Protein change: p.Thr16154=; no amino-acid change (threonine 16154 retained).
Molecular consequence: synonymous variant.
Genome position (GRCh38, 1-based): chr2:178,615,483, C>T on the plus strand (G>A on the coding strand, the complement: TTN is on the minus strand). VCF-style: chr2-178615483-C-T. GRCh37 (hg19) VCF-style: chr2-179480210-C-T.
Other names: c.43539G>A, p.Thr14513= (NM_001256850.1); c.21267G>A, p.Thr7089= (NM_003319.4); c.40758G>A, p.Thr13586= (NM_133378.4); c.21642G>A, p.Thr7214= (NM_133432.3); c.21843G>A, p.Thr7281= (NM_133437.4); c.48462G>A (NM_001267550.1).
Identifiers: ClinVar variation 195551 (VCV000195551.52), dbSNP rs202141158, ClinGen allele CA242012.